The following is an entry in ClinVar:

ClinVar aggregate classification (germline): Conflicting classifications of pathogenicity. Review status: criteria provided, conflicting classifications (1 of 4 stars). 3 submissions from 3 submitters: Likely pathogenic (1); Uncertain significance (2). Last evaluated 2024-06-19.

Conditions:
Mitochondrial complex III deficiency nuclear type 1. Identifiers: Orphanet 254902, MedGen C3541471, MONDO:0007415, OMIM 124000.
Pili torti-deafness syndrome (BJS). Also called: PILI TORTI AND NERVE DEAFNESS; Bjornstad syndrome. Identifiers: Orphanet 123, MedGen C0266006, MONDO:0009872, OMIM 262000.
GRACILE syndrome (FLNMS). Also called: FELLMAN SYNDROME; FINNISH LETHAL NEONATAL METABOLIC SYNDROME. Identifiers: Orphanet 53693, MedGen C1864002, MONDO:0011308, OMIM 603358.

Allele frequency attached by ClinVar (database versions not stated): gnomAD 0.00003; TOPMed 0.00004.

Submissions (3):

Fulgent Genetics
Classification: Uncertain significance for Mitochondrial complex III deficiency nuclear type 1; Pili torti-deafness syndrome; GRACILE syndrome. Last evaluated: 2024-06-19. Review status: criteria provided, single submitter. Criteria: ACMG Guidelines, 2015. Collection method: clinical testing. Allele origin: germline.

Women's Health and Genetics/Laboratory Corporation of America, LabCorp
Classification: Uncertain significance. Last evaluated: 2024-04-25. Review status: criteria provided, single submitter. Criteria: LabCorp Variant Classification Summary - May 2015. Collection method: clinical testing. Allele origin: germline.
Comment: Variant summary: BCS1L c.-226A>G is located in the untranslated mRNA region upstream of the initiation codon. The variant allele was found at a frequency of 3.2e-05 in 31390 control chromosomes (gnomAD). c.-226A>G has been reported in the literature in individuals affected with features of Mitochondrial Complex III Deficiency, including renal tubulopathy and hepatopathy (Cruz_2017, Bick_2017), and these patients were reported as compound heterozygous with a pathogenic variant. These data indicate that the variant may be associated with disease. To our knowledge, no experimental evidence demonstrating an impact on protein function has been reported. The following publications have been ascertained in the context of this evaluation (PMID: 28128857, 28496993). ClinVar contains an entry for this variant (Variation ID: 2680147). Based on the evidence outlined above, the variant was classified as VUS-possibly pathogenic.

Baylor Genetics
Classification: Likely pathogenic for Pili torti-deafness syndrome. Last evaluated: 2024-02-27. Review status: criteria provided, single submitter. Criteria: ACMG Guidelines, 2015. Collection method: clinical testing. Allele origin: unknown.

Literature cited by the submitters: PubMed 28496993 (cited by Women's Health and Genetics/Laboratory Corporation of America, LabCorp); PubMed 28128857 (cited by Women's Health and Genetics/Laboratory Corporation of America, LabCorp).

NM_001079866.2(BCS1L):c.-50+326A>G

Gene: BCS1L (BCS1 ubiquinol-cytochrome c reductase complex chaperone; plus strand). Cytogenetic location: 2q35.
Variant type: single nucleotide variant.
Coding change: c.-50+326A>G on transcript NM_001079866.2 (MANE Select); 326 bases into the intron after 50 bases upstream of the start codon, A replaced by G.
Molecular consequence: intron variant. On other transcripts: 5 prime UTR variant (13), non-coding transcript variant (1).
Genome position (GRCh38, 1-based): chr2:218,660,069, A>G. VCF-style: chr2-218660069-A-G. GRCh37 (hg19) VCF-style: chr2-219524792-A-G.
Other names: c.-147A>G (NM_001257342.2); c.-199A>G (NM_001257343.2); c.-402A>G (NM_001371444.1, NM_001371450.1); c.-729A>G (NM_001371446.1); c.-314A>G (NM_001371449.1); c.-720A>G (NM_001371451.1); c.-1395A>G (NM_001371453.1, NM_001374086.1); c.-878A>G (NM_001371454.1); and 9 more.
Identifiers: ClinVar variation 2680147 (VCV002680147.4), dbSNP rs745861723, ClinGen allele CA65807749.